The following is an entry in ClinVar:

NM_000059.4(BRCA2):c.8633-1296A>G

Gene: BRCA2 (BRCA2 DNA repair associated; plus strand). Cytogenetic location: 13q13.1.
Variant type: single nucleotide variant.
Coding change: c.8633-1296A>G on transcript NM_000059.4 (MANE Select); 1296 bases into the intron before coding-DNA position 8633, A replaced by G.
Molecular consequence: intron variant. On other transcripts: non-coding transcript variant (1).
Genome position (GRCh38, 1-based): chr13:32,375,374, A>G. VCF-style: chr13-32375374-A-G. GRCh37 (hg19) VCF-style: chr13-32949511-A-G.
Other names: c.8633-1296A>G (NM_001432077.1, NM_001406720.1); c.8537-1296A>G (NM_001406719.1); c.3701-1296A>G (NM_001406721.1); c.2216-1296A>G (NM_001406722.1).
Identifiers: ClinVar variation 4215267 (VCV004215267.1).

ClinVar aggregate classification (germline): Uncertain significance (1 of 4 stars; one submission).

Conditions:
Hereditary cancer-predisposing syndrome. Also called: Neoplastic Syndromes, Hereditary; Tumor predisposition; Hereditary Cancer Syndrome; Hereditary neoplastic syndrome. Identifiers: Orphanet 140162, MedGen C0027672, MeSH D009386, MONDO:0015356.

Submission:

Ambry Genetics
Classification: Uncertain significance for Hereditary cancer-predisposing syndrome. Last evaluated: 2025-07-24. Review status: criteria provided, single submitter. Criteria: Ambry Variant Classification Scheme 2023. Collection method: clinical testing. Allele origin: germline.
Comment: The c.8633-1296A>G intronic variant results from an A to G substitution 1296 nucleotides upstream from coding exon 20 in the BRCA2 gene. This nucleotide position is conserved on limited sequence alignment. In silico splice site analysis predicts that this alteration may result in the creation or strengthening of a novel splice donor site and may result in the creation or strengthening of a novel splice acceptor site; however, direct evidence is insufficient at this time (Ambry internal data). Based on the available evidence, the clinical significance of this variant remains unclear.